The following is an entry in ClinVar:

ClinVar aggregate classification (germline): Benign. Review status: criteria provided, multiple submitters, no conflicts (2 of 4 stars). 3 submissions from 3 submitters: Benign (3). Last evaluated 2018-06-14.

Conditions:
Biotin-responsive basal ganglia disease (BTBGD). Also called: Thiamine Transporter-2 Deficiency; THIAMINE METABOLISM DYSFUNCTION SYNDROME 2 (BIOTIN- AND THIAMINE-RESPONSIVE TYPE); Thiamine metabolism dysfunction syndrome type 2; Thiamine metabolism dysfunction syndrome 2 (biotin- or thiamine-responsive encephalopathy type 2); thiamine-responsive encephalopathy. Identifiers: Orphanet 199348, Orphanet 65284, MedGen C1843807, MONDO:0011841, OMIM 607483.

Allele frequency attached by ClinVar (database versions not stated): gnomAD exomes 0.01622; gnomAD 0.07466 and 0.07960; TOPMed 0.08320; 1000 Genomes Project 0.08446; 1000 Genomes Project 30x 0.09525.
gnomAD v4.1: 17,521 of 520,280 alleles (3.4%); highest among the groups gnomAD compares: African/African-American, 24%; 1,562 homozygotes.

Submissions (3):

GeneDx
Classification: Benign. Last evaluated: 2018-06-14. Review status: criteria provided, single submitter. Criteria: GeneDx Variant Classification Process June 2021. Collection method: clinical testing. Allele origin: germline. Affected: yes.

Illumina Laboratory Services, Illumina
Classification: Benign for Biotin-responsive basal ganglia disease. Last evaluated: 2018-01-13. Review status: criteria provided, single submitter. Criteria: ICSL Variant Classification Criteria 13 December 2019. Collection method: clinical testing. Allele origin: germline.
Comment: This variant was observed in the ICSL laboratory as part of a predisposition screen in an ostensibly healthy population. It had not been previously curated by ICSL or reported in the Human Gene Mutation Database (HGMD: prior to June 1st, 2018), and was therefore a candidate for classification through an automated scoring system. Utilizing variant allele frequency, disease prevalence and penetrance estimates, and inheritance mode, an automated score was calculated to assess if this variant is too frequent to cause the disease. Based on the score and internal cut-off values, a variant classified as benign is not then subjected to further curation. The score for this variant resulted in a classification of benign for this disease.

Breakthrough Genomics
Classification: Benign. Review status: criteria provided, single submitter. Criteria: ACMG Guidelines, 2015. Collection method: not provided. Allele origin: germline. Inheritance: Autosomal recessive inheritance. Affected: yes.

NM_025243.4(SLC19A3):c.*203C>T

Gene: SLC19A3 (solute carrier family 19 member 3; minus strand). Cytogenetic location: 2q36.3.
Variant type: single nucleotide variant.
Coding change: c.*203C>T on transcript NM_025243.4 (MANE Select); 203 bases downstream of the stop codon, C replaced by T.
Molecular consequence: 3 prime UTR variant.
Genome position (GRCh38, 1-based): chr2:227,687,194, G>A on the plus strand (C>T on the coding strand, the complement: SLC19A3 is on the minus strand). VCF-style: chr2-227687194-G-A. GRCh37 (hg19) VCF-style: chr2-228551910-G-A.
Identifiers: ClinVar variation 334873 (VCV000334873.9), dbSNP rs80307329, ClinGen allele CA10612714.